The following is an entry in ClinVar:

NM_001195263.2(PDZD7):c.983_1003dup (p.Ser334_Ala335insValSerSerCysAlaSerSer)

Gene: PDZD7 (PDZ domain containing 7; minus strand). Cytogenetic location: 10q24.31.
Variant type: Duplication.
Coding change: c.983_1003dup on transcript NM_001195263.2 (MANE Select); coding-DNA positions 983 to 1003, 21 bases duplicated (TCTCTTCGTGCGCCTCCAGCG).
Protein change: p.Ser334_Ala335insValSerSerCysAlaSerSer.
Molecular consequence: inframe insertion.
Genome position (GRCh38, 1-based): chr10:101,019,143-101,019,163, CGCTGGAGGCGCACGAAGAGA duplicated on the plus strand (TCTCTTCGTGCGCCTCCAGCG on the coding strand, the reverse complement: PDZD7 is on the minus strand); duplicating any 21 consecutive bases within chr10:101,019,143-101,019,171 gives the same sequence; the c. name uses the placement nearest the transcript's 3' end. VCF-style (leftmost placement, unchanged base first): chr10-101019142-G-GCGCTGGAGGCGCACGAAGAGA. GRCh37 (hg19) VCF-style: chr10-102778899-G-GCGCTGGAGGCGCACGAAGAGA.
Other names: c.983_1003dup, p.Ser334_Ala335insValSerSerCysAlaSerSer (NM_001351044.2, NM_024895.5).
Identifiers: ClinVar variation 1991474 (VCV001991474.4), dbSNP rs1852901286, ClinGen allele CA931812196.
Genomic context (GRCh38, chr10:101,019,142, plus strand): 5'-TCCTCCTGCCCGAGGCAGATGTCCATGCGGTCCGACGGCAGGGAGCCCGAGCTGTAGGGG[G>GCGCTGGAGGCGCACGAAGAGA]CGCTGGAGGCGCACGAAGAGACGCTGGAGCTGCTCTCAGAGGCCGGGGACAGCTGCTGCA-3'

ClinVar aggregate classification (germline): Uncertain significance (1 of 4 stars; one submission).

Submission:

Labcorp Genetics (formerly Invitae), Labcorp
Classification: Uncertain significance. Last evaluated: 2022-01-16. Review status: criteria provided, single submitter. Criteria: Invitae Variant Classification Sherloc (09022015). Collection method: clinical testing. Allele origin: germline.
Comment: In summary, the available evidence is currently insufficient to determine the role of this variant in disease. Therefore, it has been classified as a Variant of Uncertain Significance. Algorithms developed to predict the effect of sequence changes on RNA splicing suggest that this variant may create or strengthen a splice site. This variant has not been reported in the literature in individuals affected with PDZD7-related conditions. This variant is not present in population databases (gnomAD no frequency). This variant, c.983_1003dup, results in the insertion of 7 amino acid(s) of the PDZD7 protein (p.Val328_Ser334dup), but otherwise preserves the integrity of the reading frame.